The following is an entry in ClinVar:

ClinVar aggregate classification (germline): Pathogenic. Review status: reviewed by expert panel (3 of 4 stars). 2 submissions from 2 submitters: Pathogenic (1). 1 of the submissions does not count toward it. Last evaluated 2016-10-18.

Conditions:
Breast-ovarian cancer, familial, susceptibility to, 1 (BROVCA1). Also called: OVARIAN CANCER, SUSCEPTIBILITY TO; BRCA1 Hereditary Breast and Ovarian Cancer. Identifiers: Orphanet 145, MedGen C2676676, MONDO:0011450, OMIM 604370. Disease mechanism: loss of function.

Submissions (2):

Evidence-based Network for the Interpretation of Germline Mutant Alleles (ENIGMA)
Classification: Pathogenic for Breast-ovarian cancer, familial, susceptibility to, 1. Last evaluated: 2016-10-18. Review status: reviewed by expert panel. Criteria: ENIGMA BRCA1/2 Classification Criteria (2015). Collection method: curation. Allele origin: germline.
Comment: Variant allele predicted to encode a truncated non-functional protein.

Consortium of Investigators of Modifiers of BRCA1/2 (CIMBA), c/o University of Cambridge
Classification: Pathogenic for Breast-ovarian cancer, familial, susceptibility to, 1. Last evaluated: 2015-10-02. Review status: criteria provided, single submitter. Criteria: CIMBA Mutation Classification guidelines May 2016. Collection method: clinical testing. Allele origin: germline. Not counted in ClinVar's aggregate classification.

NM_007294.4(BRCA1):c.2292_2310dup (p.Leu771delinsArgGluTer)

Gene: BRCA1 (BRCA1 DNA repair associated; minus strand). Cytogenetic location: 17q21.31.
Variant type: Duplication.
Coding change: c.2292_2310dup on transcript NM_007294.4 (MANE Select); coding-DNA positions 2292 to 2310, 19 bases duplicated (AGAGAGTAGCAGTATTTCA).
Protein change: p.Leu771delinsArgGluTer.
Molecular consequence: nonsense. On other transcripts: intron variant (137).
Genome position (GRCh38, 1-based): chr17:43,093,221-43,093,239, TGAAATACTGCTACTCTCT duplicated on the plus strand (AGAGAGTAGCAGTATTTCA on the coding strand, the reverse complement: BRCA1 is on the minus strand). VCF-style (leftmost placement, unchanged base first): chr17-43093220-A-ATGAAATACTGCTACTCTCT. GRCh37 (hg19) VCF-style: chr17-41245237-A-ATGAAATACTGCTACTCTCT.
Other names: 2411_2429dup19p.Leu771ArgfsX3; c.709+1505_709+1523dup (NM_001408412.1, NM_001408409.1, NM_001408414.1 and 2 more transcripts); c.451+1505_451+1523dup (NM_001408509.1, NM_001408508.1); c.574+1505_574+1523dup (NM_001408491.1, NM_001408493.1, NM_001408490.1); c.461-2207_461-2189dup (NM_001408506.1, NM_001408507.1); c.577+1505_577+1523dup (NM_001408481.1, NM_001408480.1, NM_001408492.1 and 9 more transcripts); c.778+1505_778+1523dup (NM_001408408.1); c.661+1505_661+1523dup (NM_001408446.1, NM_001408435.1, NM_001408448.1 and 6 more transcripts); and 42 more.
Identifiers: ClinVar variation 54523 (VCV000054523.7), dbSNP rs397508955, ClinGen allele CA327804.
Genomic context (GRCh38, chr17:43,093,220, plus strand): 5'-GAGTGCTAACTTCCAGTAACGAGATACTTTCCTGAGTGCCATAATCAGTACCAGGTACCA[A>ATGAAATACTGCTACTCTCT]TGAAATACTGCTACTCTCTACAGATCTTTCAGTTTGCAAAACCCTTTCTCCACTTAACAT-3'